The following is an entry in ClinVar:

NM_001447.3(FAT2):c.1848C>T (p.Ser616=)

Gene: FAT2 (FAT atypical cadherin 2; minus strand). Cytogenetic location: 5q33.1.
Variant type: single nucleotide variant.
Coding change: c.1848C>T on transcript NM_001447.3 (MANE Select); coding-DNA position 1848, C replaced by T.
Protein change: p.Ser616=; no amino-acid change (serine 616 retained).
Molecular consequence: synonymous variant.
Genome position (GRCh38, 1-based): chr5:151,567,084, G>A on the plus strand (C>T on the coding strand, the complement: FAT2 is on the minus strand). VCF-style: chr5-151567084-G-A. GRCh37 (hg19) VCF-style: chr5-150946645-G-A.
Other names: c.1848C>T (NM_001447.2).
Identifiers: ClinVar variation 2059558 (VCV002059558.7), dbSNP rs79269043, ClinGen allele CA3522178.

ClinVar aggregate classification (germline): Benign/Likely benign. Review status: criteria provided, multiple submitters, no conflicts (2 of 4 stars). 3 submissions from 3 submitters: Benign (1); Likely benign (1). 1 of the submissions does not count toward it. Last evaluated 2025-06-12.

Conditions:
FAT2-related disorder. Also called: FAT2-related condition.

Allele frequency attached by ClinVar (database versions not stated): gnomAD exomes 0.00015; ExAC 0.00039; 1000 Genomes Project 30x 0.00078; 1000 Genomes Project 0.00080; gnomAD 0.00129; TOPMed 0.00140; ESP Exome Variant Server 0.00146.
gnomAD v4.1: 425 of 1,614,046 alleles (0.026%); highest among the groups gnomAD compares: African/African-American, 0.45%; 4 homozygotes.

Submissions (3):

Labcorp Genetics (formerly Invitae), Labcorp
Classification: Benign. Last evaluated: 2025-06-12. Review status: criteria provided, single submitter. Criteria: Invitae Variant Classification Sherloc (09022015). Collection method: clinical testing. Allele origin: germline.

Blueprint Genetics
Classification: Likely benign. Last evaluated: 2024-09-11. Review status: criteria provided, single submitter. Criteria: ACMG Guidelines, 2015. Collection method: clinical testing. Allele origin: germline.

PreventionGenetics, part of Exact Sciences
Classification: Benign for FAT2-related condition. Last evaluated: 2019-06-12. Review status: no assertion criteria provided. Collection method: clinical testing. Allele origin: germline. Not counted in ClinVar's aggregate classification.
Comment: This variant is classified as benign based on ACMG/AMP sequence variant interpretation guidelines (Richards et al. 2015 PMID: 25741868, with internal and published modifications).